The following is an entry in ClinVar:

NM_001367868.2(PLIN4):c.879T>C (p.Ser293=)

Gene: PLIN4 (perilipin 4; minus strand). Cytogenetic location: 19p13.3.
Variant type: single nucleotide variant.
Coding change: c.879T>C on transcript NM_001367868.2 (MANE Select); coding-DNA position 879, T replaced by C.
Protein change: p.Ser293=; no amino-acid change (serine 293 retained).
Molecular consequence: synonymous variant.
Genome position (GRCh38, 1-based): chr19:4,513,081, A>G on the plus strand (T>C on the coding strand, the complement: PLIN4 is on the minus strand). VCF-style: chr19-4513081-A-G. GRCh37 (hg19) VCF-style: chr19-4513093-A-G.
Other names: c.882T>C, p.Ser294= (NM_001393888.1, NM_001393889.1); c.879T>C, p.Ser293= (NM_001393890.1, NM_001393891.1).
Identifiers: ClinVar variation 4821010 (VCV004821010.4).

ClinVar aggregate classification (germline): Likely benign (1 of 4 stars; one submission).

Submission:

CeGaT Center for Human Genetics Tuebingen
Classification: Likely benign. Last evaluated: 2026-02-01. Review status: criteria provided, single submitter. Criteria: CeGaT Center For Human Genetics Tuebingen Variant Classification Criteria Version 2. Collection method: clinical testing. Allele origin: germline. Affected: yes. Observed: 1 variant allele.
Comment: PLIN4: BP4, BP7